The following is an entry in ClinVar:

NM_000245.4(MET):c.2265-29A>C

Gene: MET (MET proto-oncogene, receptor tyrosine kinase; plus strand). Cytogenetic location: 7q31.2.
Variant type: single nucleotide variant.
Coding change: c.2265-29A>C on transcript NM_000245.4 (MANE Select); 29 bases into the intron before coding-DNA position 2265, A replaced by C.
Molecular consequence: intron variant. On other transcripts: missense variant (1).
Genome position (GRCh38, 1-based): chr7:116,759,362, A>C. VCF-style: chr7-116759362-A-C. GRCh37 (hg19) VCF-style: chr7-116399416-A-C.
Other names: c.2290A>C, p.Ile764Leu (NM_001127500.3); c.975-29A>C (NM_001324402.2); c.2265-29A>C (NM_001324401.3); short protein forms I764L.
Identifiers: ClinVar variation 2711115 (VCV002711115.4), dbSNP rs2116937133, ClinGen allele CA368981630.

ClinVar aggregate classification (germline): Conflicting classifications of pathogenicity. Review status: criteria provided, conflicting classifications (1 of 4 stars). 2 submissions from 2 submitters: Uncertain significance (1); Likely benign (1). Last evaluated 2026-05-07.

Conditions:
Renal cell carcinoma. Identifiers: Orphanet 217071, MedGen C0007134, MeSH D002292, MONDO:0005086, HP:0005584.
Hereditary cancer-predisposing syndrome. Also called: Tumor predisposition; Hereditary neoplastic syndrome; Neoplastic Syndromes, Hereditary; Hereditary Cancer Syndrome. Identifiers: Orphanet 140162, MedGen C0027672, MeSH D009386, MONDO:0015356.

Submissions (2):

Ambry Genetics
Classification: Likely benign for Hereditary cancer-predisposing syndrome. Last evaluated: 2026-05-07. Review status: criteria provided, single submitter. Criteria: Ambry Variant Classification Scheme 2023. Collection method: clinical testing. Allele origin: germline.

Labcorp Genetics (formerly Invitae), Labcorp
Classification: Uncertain significance for Renal cell carcinoma. Last evaluated: 2024-01-24. Review status: criteria provided, single submitter. Criteria: Invitae Variant Classification Sherloc (09022015). Collection method: clinical testing. Allele origin: germline.
Comment: This sequence change replaces isoleucine, which is neutral and non-polar, with leucine, which is neutral and non-polar, at codon 764 of the MET protein (p.Ile764Leu). This variant is not present in population databases (gnomAD no frequency). This variant has not been reported in the literature in individuals affected with MET-related conditions. An algorithm developed to predict the effect of missense changes on protein structure and function (PolyPhen-2) suggests that this variant¬¨‚Ä†is likely to be tolerated. In summary, the available evidence is currently insufficient to determine the role of this variant in disease. Therefore, it has been classified as a Variant of Uncertain Significance.